The following is an entry in ClinVar:

ClinVar aggregate classification (germline): Uncertain significance (1 of 4 stars; one submission).

gnomAD v4.1: 25 of 1,610,978 alleles (0.0016%); highest among the groups gnomAD compares: South Asian, 0.023%; no homozygotes.

Submission:

Labcorp Genetics (formerly Invitae), Labcorp
Classification: Uncertain significance. Last evaluated: 2025-10-27. Review status: criteria provided, single submitter. Criteria: Invitae Variant Classification Sherloc (09022015). Collection method: clinical testing. Allele origin: germline.
Comment: This sequence change replaces leucine, which is neutral and non-polar, with arginine, which is basic and polar, at codon 224 of the FGG protein (p.Leu224Arg). This variant is present in population databases (rs573927803, gnomAD 0.03%). This variant has not been reported in the literature in individuals affected with FGG-related conditions. Invitae Evidence Modeling of protein sequence and biophysical properties (such as structural, functional, and spatial information, amino acid conservation, physicochemical variation, residue mobility, and thermodynamic stability) indicates that this missense variant is not expected to disrupt FGG protein function with a negative predictive value of 80%. In summary, the available evidence is currently insufficient to determine the role of this variant in disease. Therefore, it has been classified as a Variant of Uncertain Significance.

NM_021870.3(FGG):c.671T>G (p.Leu224Arg)

Gene: FGG (fibrinogen gamma chain; minus strand). Cytogenetic location: 4q32.1.
Variant type: single nucleotide variant.
Coding change: c.671T>G on transcript NM_021870.3 (MANE Select); coding-DNA position 671, T replaced by G.
Protein change: p.Leu224Arg; replaces leucine 224 with arginine.
Molecular consequence: missense variant.
Genome position (GRCh38, 1-based): chr4:154,608,646, A>C on the plus strand (T>G on the coding strand, the complement: FGG is on the minus strand). VCF-style: chr4-154608646-A-C. GRCh37 (hg19) VCF-style: chr4-155529798-A-C.
Other names: c.671T>G, p.Leu224Arg (NM_000509.6); short protein forms L224R.
Identifiers: ClinVar variation 4751264 (VCV004751264.1).